The following is an entry in ClinVar:

ClinVar aggregate classification (germline): Pathogenic (1 of 4 stars; one submission).

Conditions:
Hereditary cancer-predisposing syndrome. Also called: Hereditary Cancer Syndrome; Tumor predisposition; Hereditary neoplastic syndrome; Neoplastic Syndromes, Hereditary. Identifiers: Orphanet 140162, MedGen C0027672, MeSH D009386, MONDO:0015356.

Submission:

Ambry Genetics
Classification: Pathogenic for Hereditary cancer-predisposing syndrome. Last evaluated: 2024-05-18. Review status: criteria provided, single submitter. Criteria: Ambry Variant Classification Scheme 2023. Collection method: clinical testing. Allele origin: germline.
Comment: The c.3015dupT pathogenic mutation, located in coding exon 10 of the BRCA2 gene, results from a duplication of T at nucleotide position 3015, causing a translational frameshift with a predicted alternate stop codon (p.G1006Wfs*3). This variant is considered to be rare based on population cohorts in the Genome Aggregation Database (gnomAD). This alteration is expected to result in loss of function by premature protein truncation or nonsense-mediated mRNA decay. As such, this alteration is interpreted as a disease-causing mutation.

NM_000059.4(BRCA2):c.3015dup (p.Gly1006fs)

Gene: BRCA2 (BRCA2 DNA repair associated; plus strand). Cytogenetic location: 13q13.1.
Variant type: Duplication.
Coding change: c.3015dup on transcript NM_000059.4 (MANE Select); coding-DNA position 3015, one base duplicated (T; older notation c.3015dupT).
Protein change: p.Gly1006fs; shifts the reading frame from glycine 1006.
Molecular consequence: frameshift variant. On other transcripts: non-coding transcript variant (1), intron variant (2).
Genome position (GRCh38, 1-based): chr13:32,337,370, T duplicated; the last of 4 consecutive T bases (chr13:32,337,367-32,337,370); duplicating any one gives the same sequence. VCF-style (leftmost placement, unchanged base first): chr13-32337366-G-GT. GRCh37 (hg19) VCF-style: chr13-32911503-G-GT.
Other names: c.3015dup, p.Gly1006fs (NM_001406719.1, NM_001406720.1); c.1909+3983dup (NM_001406721.1); c.424+6340dup (NM_001406722.1); c.3015dupT (NM_000059.3); short protein forms G1006fs.
Identifiers: ClinVar variation 3261613 (VCV003261613.1).